The following is an entry in ClinVar:

ClinVar aggregate classification (germline): Conflicting classifications of pathogenicity. Review status: criteria provided, conflicting classifications (1 of 4 stars). 4 submissions from 4 submitters: Uncertain significance (3); Likely benign (1). Last evaluated 2025-05-23.

Conditions:
Hereditary cancer-predisposing syndrome. Also called: Hereditary neoplastic syndrome; Neoplastic Syndromes, Hereditary; Tumor predisposition; Hereditary Cancer Syndrome. Identifiers: Orphanet 140162, MedGen C0027672, MeSH D009386, MONDO:0015356.
Hereditary breast ovarian cancer syndrome. Also called: Hereditary breast and/or ovarian cancer syndrome; BRCA1- and BRCA2-Associated Hereditary Breast and Ovarian Cancer; Hereditary breast and ovarian cancer; Breast and ovarian cancer; Hereditary breast and ovarian cancer syndrome; Hereditary breast and ovarian cancer syndrome (HBOC). Identifiers: Orphanet 145, MedGen C0677776, MeSH D061325, MONDO:0003582. Disease mechanism: loss of function.
Breast-ovarian cancer, familial, susceptibility to, 2 (BROVCA2). Also called: BRCA2 Hereditary Breast and Ovarian Cancer. Identifiers: Orphanet 145, MedGen C2675520, MONDO:0012933, OMIM 612555. Disease mechanism: loss of function.
Familial cancer of breast. Also called: BREAST CANCER, FAMILIAL; hereditary breast carcinoma; Hereditary breast cancer. Identifiers: Orphanet 227535, MedGen C0346153, MONDO:0016419, OMIM 114480. Disease mechanism: loss of function.

gnomAD v4.1: 2 of 1,614,130 alleles (0.00012%); highest among the groups gnomAD compares: Non-Finnish European, 0.00017%; no homozygotes.

Submissions (4):

Labcorp Genetics (formerly Invitae), Labcorp
Classification: Uncertain significance for Hereditary breast ovarian cancer syndrome. Last evaluated: 2025-05-23. Review status: criteria provided, single submitter. Criteria: Invitae Variant Classification Sherloc (09022015). Collection method: clinical testing. Allele origin: germline.
Comment: This sequence change replaces cysteine, which is neutral and slightly polar, with arginine, which is basic and polar, at codon 2765 of the BRCA2 protein (p.Cys2765Arg). This variant is not present in population databases (gnomAD no frequency). This variant has not been reported in the literature in individuals affected with BRCA2-related conditions. ClinVar contains an entry for this variant (Variation ID: 462474). Invitae Evidence Modeling of protein sequence and biophysical properties (such as structural, functional, and spatial information, amino acid conservation, physicochemical variation, residue mobility, and thermodynamic stability) has been performed for this missense variant. However, the output from this modeling did not meet the statistical confidence thresholds required to predict the impact of this variant on BRCA2 protein function. In summary, the available evidence is currently insufficient to determine the role of this variant in disease. Therefore, it has been classified as a Variant of Uncertain Significance.

Ambry Genetics
Classification: Likely benign for Hereditary cancer-predisposing syndrome. Last evaluated: 2025-05-08. Review status: criteria provided, single submitter. Criteria: Ambry Variant Classification Scheme 2023. Collection method: clinical testing. Allele origin: germline.

Baylor Genetics
Classification: Uncertain significance for Familial cancer of breast. Last evaluated: 2023-12-15. Review status: criteria provided, single submitter. Criteria: ACMG Guidelines, 2015. Collection method: clinical testing. Allele origin: unknown.

Mendelics
Classification: Uncertain significance for Breast-ovarian cancer, familial, susceptibility to, 2. Last evaluated: 2019-05-28. Review status: criteria provided, single submitter. Criteria: Mendelics Assertion Criteria 2017. Collection method: clinical testing. Allele origin: unknown.

NM_000059.4(BRCA2):c.8293T>C (p.Cys2765Arg)

Gene: BRCA2 (BRCA2 DNA repair associated; plus strand). Cytogenetic location: 13q13.1.
Variant type: single nucleotide variant.
Coding change: c.8293T>C on transcript NM_000059.4 (MANE Select); coding-DNA position 8293, T replaced by C.
Protein change: p.Cys2765Arg; replaces cysteine 2765 with arginine.
Molecular consequence: missense variant.
Genome position (GRCh38, 1-based): chr13:32,363,495, T>C. VCF-style: chr13-32363495-T-C. GRCh37 (hg19) VCF-style: chr13-32937632-T-C.
Other names: short protein forms C2765R.
Identifiers: ClinVar variation 462474 (VCV000462474.16), dbSNP rs768247528, ClinGen allele CA387750135.